The following is an entry in ClinVar:

NM_005228.5(EGFR):c.3403A>T (p.Asn1135Tyr)

Gene: EGFR (epidermal growth factor receptor; plus strand). Cytogenetic location: 7p11.2.
Variant type: single nucleotide variant.
Coding change: c.3403A>T on transcript NM_005228.5 (MANE Select); coding-DNA position 3403, A replaced by T.
Protein change: p.Asn1135Tyr; replaces asparagine 1135 with tyrosine.
Molecular consequence: missense variant.
Genome position (GRCh38, 1-based): chr7:55,205,387, A>T. VCF-style: chr7-55205387-A-T. GRCh37 (hg19) VCF-style: chr7-55273080-A-T.
Other names: c.3244A>T, p.Asn1082Tyr (NM_001346900.2); c.2602A>T, p.Asn868Tyr (NM_001346941.2); c.3268A>T, p.Asn1090Tyr (NM_001346899.2); c.3403A>T (NM_005228.3); short protein forms N1082Y, N1090Y, N1135Y, N868Y.
Identifiers: ClinVar variation 1684709 (VCV001684709.7), dbSNP rs2128975298, ClinGen allele CA367584540.

ClinVar aggregate classification (germline): Uncertain significance. Review status: criteria provided, multiple submitters, no conflicts (2 of 4 stars). 3 submissions from 3 submitters: Uncertain significance (3). Last evaluated 2026-04-15.

Conditions:
EGFR-related lung cancer (EGFR). Identifiers: MedGen CN130014.
Hereditary cancer-predisposing syndrome. Also called: Hereditary Cancer Syndrome; Neoplastic Syndromes, Hereditary; Hereditary neoplastic syndrome; Tumor predisposition. Identifiers: Orphanet 140162, MedGen C0027672, MeSH D009386, MONDO:0015356.

Submissions (3):

Ambry Genetics
Classification: Uncertain significance for Hereditary cancer-predisposing syndrome. Last evaluated: 2026-04-15. Review status: criteria provided, single submitter. Criteria: Ambry Variant Classification Scheme 2023. Collection method: clinical testing. Allele origin: germline.
Comment: The p.N1135Y variant (also known as c.3403A>T), located in coding exon 28 of the EGFR gene, results from an A to T substitution at nucleotide position 3403. The asparagine at codon 1135 is replaced by tyrosine, an amino acid with dissimilar properties. This amino acid position is highly conserved in available vertebrate species. In addition, the in silico prediction for this alteration is inconclusive. Based on the available evidence, the clinical significance of this variant remains unclear.

Labcorp Genetics (formerly Invitae), Labcorp
Classification: Uncertain significance for EGFR-related lung cancer. Last evaluated: 2025-10-20. Review status: criteria provided, single submitter. Criteria: Invitae Variant Classification Sherloc (09022015). Collection method: clinical testing. Allele origin: germline.
Comment: This sequence change replaces asparagine, which is neutral and polar, with tyrosine, which is neutral and polar, at codon 1135 of the EGFR protein (p.Asn1135Tyr). This variant is not present in population databases (gnomAD no frequency). This variant has not been reported in the literature in individuals affected with EGFR-related conditions. ClinVar contains an entry for this variant (Variation ID: 1684709). An algorithm developed to predict the effect of missense changes on protein structure and function (PolyPhen-2) suggests that this variant is likely to be disruptive. In summary, the available evidence is currently insufficient to determine the role of this variant in disease. Therefore, it has been classified as a Variant of Uncertain Significance.

Mendelics
Classification: Uncertain significance. Last evaluated: 2022-05-04. Review status: criteria provided, single submitter. Criteria: Mendelics Assertion Criteria 2019. Collection method: clinical testing. Allele origin: germline.